The following is an entry in ClinVar:

ClinVar aggregate classification (germline): Uncertain significance (1 of 4 stars; one submission).

Conditions:
Holoprosencephaly 5 (HPE5). Identifiers: Orphanet 2162, MedGen C1864827, MONDO:0012322, OMIM 609637.

Submission:

Department of Molecular Genetics, Istishari Arab Hospital
Classification: Uncertain significance for Holoprosencephaly 5. Last evaluated: 2026-10-29. Review status: criteria provided, single submitter. Criteria: ACMG Guidelines, 2015. Collection method: clinical testing. Allele origin: germline. Inheritance: Autosomal dominant inheritance. Affected: yes.
Comment: The ZIC2 variant, c.1336G>T, p.Glu446Ter, creates a premature stop codon at position 446 in exon 3 (out of 3 exons). The variant is not observed in the gnomAD v4.1.0 dataset, and to the best of our knowledge, it was not previously reported in the literature. It is classified as a variant of uncertain significance based on the implementation of the ACMG/AMP/ClinGen SVI guidelines.

Literature cited by the submitters: PubMed 21416594; PubMed 9771712; PubMed 20531442.

NM_007129.5(ZIC2):c.1336G>T (p.Glu446Ter)

Gene: ZIC2 (Zic family zinc finger 2; plus strand). Cytogenetic location: 13q32.3.
Variant type: single nucleotide variant.
Coding change: c.1336G>T on transcript NM_007129.5 (MANE Select); coding-DNA position 1336, G replaced by T.
Protein change: p.Glu446Ter; replaces glutamic acid 446 with a stop codon.
Molecular consequence: nonsense.
Genome position (GRCh38, 1-based): chr13:99,985,419, G>T. VCF-style: chr13-99985419-G-T. GRCh37 (hg19) VCF-style: chr13-100637673-G-T.
Other names: p.Glu446Ter; short protein forms E446*.
Identifiers: ClinVar variation 5038335 (VCV005038335.1).
Genomic context (GRCh38, chr13:99,985,419, plus strand): 5'-CCGGCCGCCAGCTCCGGCTATGAGTCGTCCACGCCCCCGGGGCTGGTGTCCCCCAGCGCC[G>T]AGCCCCAGAGCAGCTCCAACCTGTCCCCAGCGGCGGCGGCAGCGGCGGCGGCGGCTGCGG-3'